The following is an entry in ClinVar:

ClinVar aggregate classification (germline): Uncertain significance (1 of 4 stars; one submission).

Conditions:
Kabuki syndrome. Also called: Kabuki make-up syndrome; NIIKAWA-KUROKI SYNDROME. Identifiers: Orphanet 2322, MedGen C0796004, MONDO:0016512.

Submission:

Labcorp Genetics (formerly Invitae), Labcorp
Classification: Uncertain significance for Kabuki syndrome. Last evaluated: 2022-05-15. Review status: criteria provided, single submitter. Criteria: Invitae Variant Classification Sherloc (09022015). Collection method: clinical testing. Allele origin: germline.
Comment: This variant has not been reported in the literature in individuals affected with KMT2D-related conditions. Advanced modeling of protein sequence and biophysical properties (such as structural, functional, and spatial information, amino acid conservation, physicochemical variation, residue mobility, and thermodynamic stability) performed at Invitae indicates that this missense variant is not expected to disrupt KMT2D protein function. This variant disrupts the p.Gln3575 amino acid residue in KMT2D. Other variant(s) that disrupt this residue have been determined to be pathogenic (PMID: 27991736). This suggests that this residue is clinically significant, and that variants that disrupt this residue are likely to be disease-causing. In summary, the available evidence is currently insufficient to determine the role of this variant in disease. Therefore, it has been classified as a Variant of Uncertain Significance. This variant is not present in population databases (gnomAD no frequency). This sequence change replaces glutamine, which is neutral and polar, with glutamic acid, which is acidic and polar, at codon 3575 of the KMT2D protein (p.Gln3575Glu).

Literature cited by the submitters: PubMed 27991736.

NM_003482.4(KMT2D):c.10723C>G (p.Gln3575Glu)

Gene: KMT2D (lysine methyltransferase 2D; minus strand). Cytogenetic location: 12q13.12.
Variant type: single nucleotide variant.
Coding change: c.10723C>G on transcript NM_003482.4 (MANE Select); coding-DNA position 10723, C replaced by G.
Protein change: p.Gln3575Glu; replaces glutamine 3575 with glutamic acid.
Molecular consequence: missense variant.
Genome position (GRCh38, 1-based): chr12:49,034,084, G>C on the plus strand (C>G on the coding strand, the complement: KMT2D is on the minus strand). VCF-style: chr12-49034084-G-C. GRCh37 (hg19) VCF-style: chr12-49427867-G-C.
Other names: short protein forms Q3575E.
Identifiers: ClinVar variation 1994724 (VCV001994724.4), dbSNP rs1250945418, ClinGen allele CA384727001.